The following is an entry in ClinVar:

ClinVar aggregate classification (germline): Uncertain significance (1 of 4 stars; one submission).

Conditions:
COG7 congenital disorder of glycosylation (CDG2E). Also called: CONGENITAL DISORDER OF GLYCOSYLATION, TYPE IIe; CDG IIe. Identifiers: Orphanet 79333, MedGen C2931010, MONDO:0012118, OMIM 608779.

Allele frequency attached by ClinVar (database versions not stated): TOPMed below 0.00001; gnomAD 0.00001.
gnomAD v4.1: 4 of 1,614,096 alleles (0.00025%); highest among the groups gnomAD compares: Non-Finnish European, 0.00034%; no homozygotes.

Submission:

Labcorp Genetics (formerly Invitae), Labcorp
Classification: Uncertain significance for COG7 congenital disorder of glycosylation. Last evaluated: 2021-10-14. Review status: criteria provided, single submitter. Criteria: Invitae Variant Classification Sherloc (09022015). Collection method: clinical testing. Allele origin: germline.
Comment: This sequence change replaces leucine with valine at codon 332 of the COG7 protein (p.Leu332Val). The leucine residue is weakly conserved and there is a small physicochemical difference between leucine and valine. This variant is not present in population databases (ExAC no frequency). This variant has not been reported in the literature in individuals affected with COG7-related conditions. Algorithms developed to predict the effect of missense changes on protein structure and function (SIFT, PolyPhen-2, Align-GVGD) all suggest that this variant is likely to be tolerated. In summary, the available evidence is currently insufficient to determine the role of this variant in disease. Therefore, it has been classified as a Variant of Uncertain Significance.

NM_153603.4(COG7):c.994C>G (p.Leu332Val)

Gene: COG7 (component of oligomeric golgi complex 7; minus strand). Cytogenetic location: 16p12.2.
Variant type: single nucleotide variant.
Coding change: c.994C>G on transcript NM_153603.4 (MANE Select); coding-DNA position 994, C replaced by G.
Protein change: p.Leu332Val; replaces leucine 332 with valine.
Molecular consequence: missense variant.
Genome position (GRCh38, 1-based): chr16:23,424,764, G>C on the plus strand (C>G on the coding strand, the complement: COG7 is on the minus strand). VCF-style: chr16-23424764-G-C. GRCh37 (hg19) VCF-style: chr16-23436085-G-C.
Other names: short protein forms L332V.
Identifiers: ClinVar variation 1411614 (VCV001411614.6), dbSNP rs1355304299, ClinGen allele CA395121243.